The following is an entry in ClinVar:

NM_006623.4(PHGDH):c.472A>G (p.Arg158Gly)

Gene: PHGDH (phosphoglycerate dehydrogenase; plus strand). Cytogenetic location: 1p12.
Variant type: single nucleotide variant.
Coding change: c.472A>G on transcript NM_006623.4 (MANE Select); coding-DNA position 472, A replaced by G.
Protein change: p.Arg158Gly; replaces arginine 158 with glycine.
Molecular consequence: missense variant.
Genome position (GRCh38, 1-based): chr1:119,727,064, A>G. VCF-style: chr1-119727064-A-G. GRCh37 (hg19) VCF-style: chr1-120269687-A-G.
Other names: short protein forms R158G.
Identifiers: ClinVar variation 1984661 (VCV001984661.1), dbSNP rs1183596795, ClinGen allele CA341847780.

ClinVar aggregate classification (germline): Uncertain significance (1 of 4 stars; one submission).

Conditions:
PHGDH deficiency. Identifiers: Orphanet 79351, MedGen C1866174, MONDO:0011152, OMIM 601815.

Allele frequency attached by ClinVar (database versions not stated): TOPMed below 0.00001; gnomAD 0.00001.
gnomAD v4.1: 1 of 1,612,514 alleles (0.000062%); highest among the groups gnomAD compares: African/African-American, 0.0013%; no homozygotes.

Submission:

Labcorp Genetics (formerly Invitae), Labcorp
Classification: Uncertain significance for PHGDH deficiency. Last evaluated: 2022-08-10. Review status: criteria provided, single submitter. Criteria: Invitae Variant Classification Sherloc (09022015). Collection method: clinical testing. Allele origin: germline.
Comment: This sequence change replaces arginine, which is basic and polar, with glycine, which is neutral and non-polar, at codon 158 of the PHGDH protein (p.Arg158Gly). This variant is present in population databases (no rsID available, gnomAD 0.01%). This variant has not been reported in the literature in individuals affected with PHGDH-related conditions. Algorithms developed to predict the effect of missense changes on protein structure and function are either unavailable or do not agree on the potential impact of this missense change (SIFT: "Tolerated"; PolyPhen-2: "Probably Damaging"; Align-GVGD: "Class C0"). In summary, the available evidence is currently insufficient to determine the role of this variant in disease. Therefore, it has been classified as a Variant of Uncertain Significance.